The following is an entry in ClinVar:

ClinVar aggregate classification (somatic clinical impact): Tier I - Strong (1 of 4 stars; one submission).

Conditions:
Desmoid tumor. Also called: Desmoid tumour; Aggressive fibromatosis. Identifiers: Orphanet 873, MedGen C0079218, MONDO:0007608, HP:6001034.

Submission:

Institute for Genomic Medicine (IGM) Clinical Laboratory, Nationwide Children's Hospital
Classification: Tier I - Strong for Desmoid tumor. Assertion type: diagnostic. Clinical significance: supports diagnosis. Last evaluated: 2025-02-17. Review status: criteria provided, single submitter. Criteria: AMP/ASCO/CAP Guidelines, 2017. Collection method: clinical testing. Allele origin: somatic. Affected: yes.
Comment: Variant has Tier I (strong) clinical significance as a diagnostic inclusion criterion in desmoid tumor, based on the following evidence: 1) Documented in one or more cancer databases (e.g., St. Jude Pecan, COSMIC, CIViC, OncoKB). 2) Appears in one or more well-established professional guidelines (e.g., World Health Organization [WHO]; National Comprehensive Cancer Network [NCCN]) as providing diagnostic, prognostic, or therapeutic information. 3) Information in the literature supports potential biologic effect of variant (PMIDs: 29435196, 30699286). 4) Diagnostic for a specific tumor type/classification according to professional guidelines (Evidence Level A; PMIDs: 10597266, 17558858, 20197769, 21323417, 25341748, 32099073, 26171757, 20232483).

Literature cited by the submitters: PubMed 29435196; PubMed 30699286; PubMed 10597266; PubMed 17558858; PubMed 20197769; PubMed 21323417; PubMed 25341748; PubMed 32099073; PubMed 26171757; PubMed 20232483.

NM_001904.4(CTNNB1):c.106_111del (p.His36_Ser37del)

Genes: CTNNB1 (catenin beta 1; plus strand), LOC126806658 (BRD4-independent group 4 enhancer GRCh37_chr3:41265899-41267098; plus strand). Cytogenetic location: 3p22.1.
Variant type: Deletion.
Coding change: c.106_111del on transcript NM_001904.4 (MANE Select); coding-DNA positions 106 to 111, 6 bases deleted (CATTCT; older notation c.106_111delCATTCT).
Protein change: p.His36_Ser37del.
Genome position (GRCh38, 1-based): chr3:41,224,618-41,224,623, CATTCT deleted. VCF-style (leftmost placement, unchanged base first): chr3-41224617-CCATTCT-C. GRCh37 (hg19) VCF-style: chr3-41266108-CCATTCT-C.
Other names: c.106_111del, p.His36_Ser37del (NM_001098209.2, NM_001098210.2, NM_001438871.1 and 4 more transcripts); c.85_90del, p.His29_Ser30del (NM_001330729.2).
Identifiers: ClinVar variation 4530145 (VCV004530145.1).